The following is an entry in ClinVar:

ClinVar aggregate classification (germline): Uncertain significance. Review status: criteria provided, multiple submitters, no conflicts (2 of 4 stars). 3 submissions from 3 submitters: Uncertain significance (3). Last evaluated 2025-03-04.

Conditions:
Hereditary cancer-predisposing syndrome. Also called: Hereditary Cancer Syndrome; Neoplastic Syndromes, Hereditary; Tumor predisposition; Hereditary neoplastic syndrome. Identifiers: Orphanet 140162, MedGen C0027672, MeSH D009386, MONDO:0015356.

Allele frequency attached by ClinVar (database versions not stated): gnomAD exomes below 0.00001; TOPMed below 0.00001; gnomAD 0.00001.
gnomAD v4.1: 3 of 1,614,050 alleles (0.00019%); highest among the groups gnomAD compares: Non-Finnish European, 0.00025%; no homozygotes.

Submissions (3):

Center for Genomic Medicine, Rigshospitalet, Copenhagen University Hospital
Classification: Uncertain significance. Last evaluated: 2025-03-04. Review status: criteria provided, single submitter. Criteria: ACMG Guidelines, 2015. Collection method: clinical testing. Allele origin: germline.

Labcorp Genetics (formerly Invitae), Labcorp
Classification: Uncertain significance. Last evaluated: 2024-10-21. Review status: criteria provided, single submitter. Criteria: Invitae Variant Classification Sherloc (09022015). Collection method: clinical testing. Allele origin: germline.
Comment: This sequence change replaces aspartic acid, which is acidic and polar, with glutamic acid, which is acidic and polar, at codon 535 of the POLE protein (p.Asp535Glu). This variant is not present in population databases (gnomAD no frequency). This variant has not been reported in the literature in individuals affected with POLE-related conditions. ClinVar contains an entry for this variant (Variation ID: 1023411). Invitae Evidence Modeling of protein sequence and biophysical properties (such as structural, functional, and spatial information, amino acid conservation, physicochemical variation, residue mobility, and thermodynamic stability) indicates that this missense variant is not expected to disrupt POLE protein function with a negative predictive value of 80%. In summary, the available evidence is currently insufficient to determine the role of this variant in disease. Therefore, it has been classified as a Variant of Uncertain Significance.

Ambry Genetics
Classification: Uncertain significance for Hereditary cancer-predisposing syndrome. Last evaluated: 2024-01-24. Review status: criteria provided, single submitter. Criteria: Ambry Variant Classification Scheme 2023. Collection method: clinical testing. Allele origin: germline.
Comment: The p.D535E variant (also known as c.1605C>G), located in coding exon 15 of the POLE gene, results from a C to G substitution at nucleotide position 1605. The aspartic acid at codon 535 is replaced by glutamic acid, an amino acid with highly similar properties. This amino acid position is conserved. In addition, the in silico prediction for this alteration is inconclusive. Since supporting evidence is limited at this time, the clinical significance of this alteration remains unclear.

NM_006231.4(POLE):c.1605C>G (p.Asp535Glu)

Gene: POLE (DNA polymerase epsilon, catalytic subunit; minus strand). Cytogenetic location: 12q24.33.
Variant type: single nucleotide variant.
Coding change: c.1605C>G on transcript NM_006231.4 (MANE Select); coding-DNA position 1605, C replaced by G.
Protein change: p.Asp535Glu; replaces aspartic acid 535 with glutamic acid.
Molecular consequence: missense variant.
Genome position (GRCh38, 1-based): chr12:132,672,708, G>C on the plus strand (C>G on the coding strand, the complement: POLE is on the minus strand). VCF-style: chr12-132672708-G-C. GRCh37 (hg19) VCF-style: chr12-133249294-G-C.
Other names: short protein forms D535E.
Identifiers: ClinVar variation 1023411 (VCV001023411.12), dbSNP rs2042958233, ClinGen allele CA387356818.